The following is an entry in ClinVar:

NM_170707.4(LMNA):c.1489-2A>G

Gene: LMNA (lamin A/C; plus strand). Cytogenetic location: 1q22.
Variant type: single nucleotide variant.
Coding change: c.1489-2A>G on transcript NM_170707.4 (MANE Select); the canonical splice acceptor site of the intron before coding-DNA position 1489, A replaced by G.
Molecular consequence: splice acceptor variant.
Genome position (GRCh38, 1-based): chr1:156,137,111, A>G. VCF-style: chr1-156137111-A-G. GRCh37 (hg19) VCF-style: chr1-156106902-A-G.
Other names: c.1489-2A>G (NM_001406985.1, NM_001282626.2, NM_170708.4 and 6 more transcripts); c.865-2A>G (NM_001407001.1, NM_001406999.1, NM_001407000.1 and 1 more transcripts); c.931-2A>G (NM_001406995.1, NM_001406990.1, NM_001406996.1 and 4 more transcripts); c.1246-2A>G (NM_001406987.1, NM_001282624.2, NM_001406986.1); c.1153-2A>G (NM_001406989.1, NM_001257374.3, NM_001406998.1); c.1192-2A>G (NM_001406988.1).
Identifiers: ClinVar variation 246076 (VCV000246076.10), dbSNP rs879254081, ClinGen allele CA10584131.

ClinVar aggregate classification (germline): Likely pathogenic. Review status: criteria provided, multiple submitters, no conflicts (2 of 4 stars). 3 submissions from 3 submitters: Likely pathogenic (3). Last evaluated 2024-04-15.

Conditions:
Charcot-Marie-Tooth disease type 2. Also called: Charcot-Marie-Tooth type 2. Identifiers: Orphanet 64746, MedGen C0270914, MONDO:0018993.
Cardiovascular phenotype. Identifiers: MedGen CN230736.

Submissions (3):

GeneDx
Classification: Likely pathogenic. Last evaluated: 2024-04-15. Review status: criteria provided, single submitter. Criteria: GeneDx Variant Classification Process June 2021. Collection method: clinical testing. Allele origin: germline. Affected: yes.
Comment: Canonical splice site variant predicted to result in an in-frame loss of the adjacent exon in a gene for which loss of function is a known mechanism of disease; Not observed at significant frequency in large population cohorts (gnomAD); This variant is associated with the following publications: (PMID: 23183350, 31977013, Hayashi2017[abstract], 10939567)

Labcorp Genetics (formerly Invitae), Labcorp
Classification: Likely pathogenic for Charcot-Marie-Tooth disease type 2. Last evaluated: 2023-07-17. Review status: criteria provided, single submitter. Criteria: Invitae Variant Classification Sherloc (09022015). Collection method: clinical testing. Allele origin: germline.
Comment: In summary, the currently available evidence indicates that the variant is pathogenic, but additional data are needed to prove that conclusively. Therefore, this variant has been classified as Likely Pathogenic. Algorithms developed to predict the effect of sequence changes on RNA splicing suggest that this variant may disrupt the consensus splice site. ClinVar contains an entry for this variant (Variation ID: 246076). Disruption of this splice site has been observed in individual(s) with LMNA-related conditions (PMID: 23183350, 31977013). This variant is not present in population databases (gnomAD no frequency). This sequence change affects an acceptor splice site in intron 8 of the LMNA gene. It is expected to disrupt RNA splicing. Variants that disrupt the donor or acceptor splice site typically lead to a loss of protein function (PMID: 16199547), and loss-of-function variants in LMNA are known to be pathogenic (PMID: 18585512, 18926329).

Ambry Genetics
Classification: Likely pathogenic for Cardiovascular phenotype. Last evaluated: 2019-08-23. Review status: criteria provided, single submitter. Criteria: Ambry Variant Classification Scheme 2023. Collection method: clinical testing. Allele origin: germline.
Comment: The c.1489-2A>G intronic variant results from an A to G substitution two nucleotides upstream from coding exon 9 in the LMNA gene. This variant has been reported in two probands in a cohort in which probands were reported to have cardiac disease and/or family history of evidence of laminopathy with possible cardiac involvement; however, details were limited (van Rijsingen IA et al. Eur. J. Heart Fail., 2013 Apr;15:376-84). Another variant affecting this splice site (c.1489-1G>T) has been reported to segregate with laminopathy-related phenotype in one family (Stallmeyer B et al. Genet Test Mol Biomarkers, 2012 Jun;16:543-9). This nucleotide position is highly conserved in available vertebrate species. Using the BDGP and ESEfinder splice site prediction tools, this alteration is predicted to abolish the native splice acceptor site; however, direct evidence is unavailable. Alterations that disrupt the canonical splice site are expected to cause aberrant splicing, resulting in an abnormal protein or a transcript that is subject to nonsense-mediated mRNA decay. As such, this alteration is classified as likely pathogenic.

Literature cited by the submitters: PubMed 23183350 (cited by Labcorp Genetics (formerly Invitae), Labcorp and Ambry Genetics); PubMed 31977013 (cited by Labcorp Genetics (formerly Invitae), Labcorp); PubMed 16199547 (cited by Labcorp Genetics (formerly Invitae), Labcorp); PubMed 18585512 (cited by Labcorp Genetics (formerly Invitae), Labcorp); PubMed 18926329 (cited by Labcorp Genetics (formerly Invitae), Labcorp); PubMed 22224630 (cited by Ambry Genetics); PubMed 28679633 (cited by Ambry Genetics).